The following is an entry in ClinVar:

ClinVar aggregate classification (germline): Uncertain significance (1 of 4 stars; one submission).

gnomAD v4.1: 9 of 1,609,404 alleles (0.00056%); highest among the groups gnomAD compares: South Asian, 0.0022%; no homozygotes.

Submission:

Labcorp Genetics (formerly Invitae), Labcorp
Classification: Uncertain significance. Last evaluated: 2022-12-08. Review status: criteria provided, single submitter. Criteria: Invitae Variant Classification Sherloc (09022015). Collection method: clinical testing. Allele origin: germline.
Comment: This sequence change replaces arginine, which is basic and polar, with histidine, which is basic and polar, at codon 398 of the KCNV2 protein (p.Arg398His). In summary, the available evidence is currently insufficient to determine the role of this variant in disease. Therefore, it has been classified as a Variant of Uncertain Significance. Advanced modeling of protein sequence and biophysical properties (such as structural, functional, and spatial information, amino acid conservation, physicochemical variation, residue mobility, and thermodynamic stability) performed at Invitae indicates that this missense variant is expected to disrupt KCNV2 protein function. This variant has not been reported in the literature in individuals affected with KCNV2-related conditions. This variant is not present in population databases (gnomAD no frequency).

NM_133497.4(KCNV2):c.1193G>A (p.Arg398His)

Gene: KCNV2 (potassium voltage-gated channel modifier subfamily V member 2; plus strand). Cytogenetic location: 9p24.2.
Variant type: single nucleotide variant.
Coding change: c.1193G>A on transcript NM_133497.4 (MANE Select); coding-DNA position 1193, G replaced by A.
Protein change: p.Arg398His; replaces arginine 398 with histidine.
Molecular consequence: missense variant.
Genome position (GRCh38, 1-based): chr9:2,718,932, G>A. VCF-style: chr9-2718932-G-A. GRCh37 (hg19) VCF-style: chr9-2718932-G-A.
Other names: short protein forms R398H.
Identifiers: ClinVar variation 1941775 (VCV001941775.5), dbSNP rs748708161, ClinGen allele CA372802392.
Genomic context (GRCh38, chr9:2,718,932, plus strand): 5'-TCATGCGCCTCATGCGCATCTTCCGCATCCTCAAGCTGGCGCGCCACTCCACCGGACTGC[G>A]TGCCTTCGGCTTCACGCTGCGCCAGTGCTACCAGCAGGTGGGCTGCCTGCTGCTCTTCAT-3'
Protein context (NP_598004.1, residues 388-408): LKLARHSTGL[Arg398His]AFGFTLRQCY